The following is an entry in ClinVar:

NM_001128840.3(CACNA1D):c.2474-13A>G

Gene: CACNA1D (calcium voltage-gated channel subunit alpha1 D; plus strand). Cytogenetic location: 3p21.1.
Variant type: single nucleotide variant.
Coding change: c.2474-13A>G on transcript NM_001128840.3 (MANE Select); 13 bases into the intron before coding-DNA position 2474, A replaced by G.
Molecular consequence: intron variant.
Genome position (GRCh38, 1-based): chr3:53,732,802, A>G. VCF-style: chr3-53732802-A-G. GRCh37 (hg19) VCF-style: chr3-53766829-A-G.
Other names: c.2474-13A>G (NM_001128839.3); c.2534-13A>G (NM_000720.4).
Identifiers: ClinVar variation 4538273 (VCV004538273.1).

ClinVar aggregate classification (germline): Uncertain significance (1 of 4 stars; one submission).

Submission:

Greenwood Genetic Center Diagnostic Laboratories, Greenwood Genetic Center
Classification: Uncertain significance. Last evaluated: 2025-05-30. Review status: criteria provided, single submitter. Criteria: ACMG Guidelines, 2015. Collection method: clinical testing. Allele origin: germline. Affected: yes.
Comment: PS2, PM2, BP4